The following is an entry in ClinVar:

ClinVar aggregate classification (germline): Uncertain significance. Review status: criteria provided, multiple submitters, no conflicts (2 of 4 stars). 2 submissions from 2 submitters: Uncertain significance (2). Last evaluated 2024-06-09.

Conditions:
DICER1-related tumor predisposition. Also called: DICER1 syndrome; DICER1-related pleuropulmonary blastoma cancer predisposition syndrome. Identifiers: Orphanet 284343, MedGen C3839822, MONDO:0100216.
Hereditary cancer-predisposing syndrome. Also called: Hereditary Cancer Syndrome; Tumor predisposition; Hereditary neoplastic syndrome; Neoplastic Syndromes, Hereditary. Identifiers: Orphanet 140162, MedGen C0027672, MeSH D009386, MONDO:0015356.

Submissions (2):

Ambry Genetics
Classification: Uncertain significance for Hereditary cancer-predisposing syndrome. Last evaluated: 2024-06-09. Review status: criteria provided, single submitter. Criteria: Ambry Variant Classification Scheme 2023. Collection method: clinical testing. Allele origin: germline.
Comment: The p.M837I variant (also known as c.2511G>A), located in coding exon 15 of the DICER1 gene, results from a G to A substitution at nucleotide position 2511. The methionine at codon 837 is replaced by isoleucine, an amino acid with highly similar properties. This amino acid position is conserved. In addition, this alteration is predicted to be tolerated by in silico analysis. Based on the available evidence, the clinical significance of this variant remains unclear.

Labcorp Genetics (formerly Invitae), Labcorp
Classification: Uncertain significance for DICER1-related tumor predisposition. Last evaluated: 2024-02-01. Review status: criteria provided, single submitter. Criteria: Invitae Variant Classification Sherloc (09022015). Collection method: clinical testing. Allele origin: germline.
Comment: This sequence change replaces methionine, which is neutral and non-polar, with isoleucine, which is neutral and non-polar, at codon 837 of the DICER1 protein (p.Met837Ile). This variant is not present in population databases (gnomAD no frequency). This variant has not been reported in the literature in individuals affected with DICER1-related conditions. Advanced modeling of protein sequence and biophysical properties (such as structural, functional, and spatial information, amino acid conservation, physicochemical variation, residue mobility, and thermodynamic stability) performed at Invitae indicates that this missense variant is not expected to disrupt DICER1 protein function with a negative predictive value of 80%. In summary, the available evidence is currently insufficient to determine the role of this variant in disease. Therefore, it has been classified as a Variant of Uncertain Significance.

NM_177438.3(DICER1):c.2511G>A (p.Met837Ile)

Gene: DICER1 (dicer 1, ribonuclease III; minus strand). Cytogenetic location: 14q32.13.
Variant type: single nucleotide variant.
Coding change: c.2511G>A on transcript NM_177438.3 (MANE Select); coding-DNA position 2511, G replaced by A.
Protein change: p.Met837Ile; replaces methionine 837 with isoleucine.
Molecular consequence: missense variant. On other transcripts: non-coding transcript variant (6).
Genome position (GRCh38, 1-based): chr14:95,108,019, C>T on the plus strand (G>A on the coding strand, the complement: DICER1 is on the minus strand). VCF-style: chr14-95108019-C-T. GRCh37 (hg19) VCF-style: chr14-95574356-C-T.
Other names: c.2511G>A, p.Met837Ile (NM_001195573.1, NM_001271282.3, NM_001291628.2 and 13 more transcripts); c.2229G>A, p.Met743Ile (NM_001395686.1); c.2106G>A, p.Met702Ile (NM_001395687.1, NM_001395688.1, NM_001395689.1 and 2 more transcripts); c.1944G>A, p.Met648Ile (NM_001395691.1); c.828G>A, p.Met276Ile (NM_001395697.1); short protein forms M276I, M743I, M837I, M648I, M702I.
Identifiers: ClinVar variation 2750908 (VCV002750908.4), dbSNP rs1360646143, ClinGen allele CA390881871.